The following is an entry in ClinVar:

NM_020812.4(DOCK6):c.3061T>A (p.Tyr1021Asn)

Gene: DOCK6 (dedicator of cytokinesis 6; minus strand). Cytogenetic location: 19p13.2.
Variant type: single nucleotide variant.
Coding change: c.3061T>A on transcript NM_020812.4 (MANE Select); coding-DNA position 3061, T replaced by A.
Protein change: p.Tyr1021Asn; replaces tyrosine 1021 with asparagine.
Molecular consequence: missense variant.
Genome position (GRCh38, 1-based): chr19:11,223,001, A>T on the plus strand (T>A on the coding strand, the complement: DOCK6 is on the minus strand). VCF-style: chr19-11223001-A-T. GRCh37 (hg19) VCF-style: chr19-11333677-A-T.
Other names: c.3166T>A, p.Tyr1056Asn (NM_001367830.1); c.3061T>A (NM_020812.2); short protein forms Y1021N, Y1056N.
Identifiers: ClinVar variation 3607870 (VCV003607870.3).

ClinVar aggregate classification (germline): Uncertain significance. Review status: criteria provided, multiple submitters, no conflicts (2 of 4 stars). 2 submissions from 2 submitters: Uncertain significance (2). Last evaluated 2025-03-20.

Conditions:
Inborn genetic diseases. Identifiers: MedGen C0950123, MeSH D030342.

Submissions (2):

Ambry Genetics
Classification: Uncertain significance for Inborn genetic diseases. Last evaluated: 2025-03-20. Review status: criteria provided, single submitter. Criteria: Ambry Variant Classification Scheme 2023. Collection method: clinical testing. Allele origin: germline.

Labcorp Genetics (formerly Invitae), Labcorp
Classification: Uncertain significance. Last evaluated: 2024-10-21. Review status: criteria provided, single submitter. Criteria: Invitae Variant Classification Sherloc (09022015). Collection method: clinical testing. Allele origin: germline.
Comment: This sequence change replaces tyrosine, which is neutral and polar, with asparagine, which is neutral and polar, at codon 1021 of the DOCK6 protein (p.Tyr1021Asn). This variant is not present in population databases (gnomAD no frequency). This variant has not been reported in the literature in individuals affected with DOCK6-related conditions. Invitae Evidence Modeling of protein sequence and biophysical properties (such as structural, functional, and spatial information, amino acid conservation, physicochemical variation, residue mobility, and thermodynamic stability) has been performed for this missense variant. However, the output from this modeling did not meet the statistical confidence thresholds required to predict the impact of this variant on DOCK6 protein function. In summary, the available evidence is currently insufficient to determine the role of this variant in disease. Therefore, it has been classified as a Variant of Uncertain Significance.